The following is an entry in ClinVar:

NM_170601.5(SIAE):c.250G>A (p.Val84Met)

Gene: SIAE (sialic acid acetylesterase; minus strand). Cytogenetic location: 11q24.2.
Variant type: single nucleotide variant.
Coding change: c.250G>A on transcript NM_170601.5 (MANE Select); coding-DNA position 250, G replaced by A.
Protein change: p.Val84Met; replaces valine 84 with methionine.
Molecular consequence: missense variant.
Genome position (GRCh38, 1-based): chr11:124,660,783, C>T on the plus strand (G>A on the coding strand, the complement: SIAE is on the minus strand). VCF-style: chr11-124660783-C-T. GRCh37 (hg19) VCF-style: chr11-124530679-C-T.
Other names: c.145G>A, p.Val49Met (NM_001199922.2); c.250G>A (NM_170601.4); short protein forms V49M, V84M.
Identifiers: ClinVar variation 1392664 (VCV001392664.10), dbSNP rs745816660, ClinGen allele CA6341600.

ClinVar aggregate classification (germline): Uncertain significance. Review status: criteria provided, multiple submitters, no conflicts (2 of 4 stars). 2 submissions from 2 submitters: Uncertain significance (2). Last evaluated 2025-08-21.

Allele frequency attached by ClinVar (database versions not stated): gnomAD 0.00001; TOPMed 0.00003.

Submissions (2):

Ambry Genetics
Classification: Uncertain significance. Last evaluated: 2025-08-21. Review status: criteria provided, single submitter. Criteria: Ambry Variant Classification Scheme 2023. Collection method: clinical testing. Allele origin: germline.

Labcorp Genetics (formerly Invitae), Labcorp
Classification: Uncertain significance. Last evaluated: 2025-02-26. Review status: criteria provided, single submitter. Criteria: Invitae Variant Classification Sherloc (09022015). Collection method: clinical testing. Allele origin: germline.
Comment: This sequence change replaces valine, which is neutral and non-polar, with methionine, which is neutral and non-polar, at codon 84 of the SIAE protein (p.Val84Met). This variant is present in population databases (rs745816660, gnomAD 0.003%). This variant has not been reported in the literature in individuals affected with SIAE-related conditions. ClinVar contains an entry for this variant (Variation ID: 1392664). An algorithm developed to predict the effect of missense changes on protein structure and function (PolyPhen-2) suggests that this variant is likely to be disruptive. In summary, the available evidence is currently insufficient to determine the role of this variant in disease. Therefore, it has been classified as a Variant of Uncertain Significance.